The following is an entry in ClinVar:

ClinVar aggregate classification (germline): Uncertain significance (1 of 4 stars; one submission).

Submission:

GeneDx
Classification: Uncertain significance. Last evaluated: 2026-03-26. Review status: criteria provided, single submitter. Criteria: GeneDx Variant Classification Process June 2021. Collection method: clinical testing. Allele origin: germline.
Comment: Not observed at significant frequency in large population cohorts (gnomAD); In silico analysis supports that this missense variant has a deleterious effect on protein structure/function; Has not been previously published as pathogenic or benign to our knowledge

NM_138927.4(SON):c.1256C>A (p.Pro419His)

Gene: SON (SON DNA and RNA binding protein; plus strand). Cytogenetic location: 21q22.11.
Variant type: single nucleotide variant.
Coding change: c.1256C>A on transcript NM_138927.4 (MANE Select); coding-DNA position 1256, C replaced by A.
Protein change: p.Pro419His; replaces proline 419 with histidine.
Molecular consequence: missense variant. On other transcripts: non-coding transcript variant (1), intron variant (1).
Genome position (GRCh38, 1-based): chr21:33,550,487, C>A. VCF-style: chr21-33550487-C-A. GRCh37 (hg19) VCF-style: chr21-34922793-C-A.
Other names: c.1256C>A, p.Pro419His (NM_001291411.2, NM_032195.3); c.244+4108C>A (NM_001291412.3); short protein forms P419H.
Identifiers: ClinVar variation 5017266 (VCV005017266.1).
Genomic context (GRCh38, chr21:33,550,487, plus strand): 5'-TGACTCCAGTGCTGGAGTTACCTGGGCCCTCTGCTACCCCGGTGCCAGAGTTGCCAGGGC[C>A]CCTTTCTACCCCAGTGCCTGAGTTGCCAGGGCCCCCTGCGACAGCAGTGCCTGAGTTGCC-3'
Protein context (NP_620305.3, residues 409-429): SATPVPELPG[Pro419His]LSTPVPELPG